The following is an entry in ClinVar:

ClinVar aggregate classification (germline): Uncertain significance. Review status: criteria provided, multiple submitters, no conflicts (2 of 4 stars). 2 submissions from 2 submitters: Uncertain significance (2). Last evaluated 2025-01-30.

Conditions:
Myopathy, proximal, and ophthalmoplegia (CMYO6). Also called: INCLUSION BODY MYOPATHY 3, AUTOSOMAL DOMINANT; CONGENITAL MYOPATHY 6 WITH OPHTHALMOPLEGIA; MYOPATHY WITH CONGENITAL JOINT CONTRACTURES, OPHTHALMOPLEGIA, AND RIMMED VACUOLES. Identifiers: Orphanet 363677, Orphanet 79091, MedGen C1854106, MONDO:0011577, OMIM 605637.

Allele frequency attached by ClinVar (database versions not stated): ExAC 0.00002; gnomAD 0.00003; TOPMed 0.00003; gnomAD exomes 0.00004.
gnomAD v4.1: 68 of 1,614,054 alleles (0.0042%); highest among the groups gnomAD compares: Non-Finnish European, 0.0052%; 1 homozygote.

Submissions (2):

Labcorp Genetics (formerly Invitae), Labcorp
Classification: Uncertain significance for Myopathy, proximal, and ophthalmoplegia. Last evaluated: 2025-01-30. Review status: criteria provided, single submitter. Criteria: Invitae Variant Classification Sherloc (09022015). Collection method: clinical testing. Allele origin: germline.
Comment: This sequence change replaces glycine, which is neutral and non-polar, with serine, which is neutral and polar, at codon 1160 of the MYH2 protein (p.Gly1160Ser). This variant is present in population databases (rs781461127, gnomAD 0.006%). This variant has not been reported in the literature in individuals affected with MYH2-related conditions. ClinVar contains an entry for this variant (Variation ID: 2075388). Invitae Evidence Modeling of protein sequence and biophysical properties (such as structural, functional, and spatial information, amino acid conservation, physicochemical variation, residue mobility, and thermodynamic stability) indicates that this missense variant is not expected to disrupt MYH2 protein function with a negative predictive value of 80%. In summary, the available evidence is currently insufficient to determine the role of this variant in disease. Therefore, it has been classified as a Variant of Uncertain Significance.

Blueprint Genetics
Classification: Uncertain significance. Last evaluated: 2023-05-04. Review status: criteria provided, single submitter. Criteria: ACMG Guidelines, 2015. Collection method: clinical testing. Allele origin: germline.

NM_017534.6(MYH2):c.3478G>A (p.Gly1160Ser)

Genes: MYH2 (myosin heavy chain 2; minus strand), MYHAS (myosin heavy chain gene cluster antisense RNA; plus strand). Cytogenetic location: 17p13.1.
Variant type: single nucleotide variant.
Coding change: c.3478G>A on transcript NM_017534.6 (MANE Select); coding-DNA position 3478, G replaced by A.
Protein change: p.Gly1160Ser; replaces glycine 1160 with serine.
Molecular consequence: missense variant.
Genome position (GRCh38, 1-based): chr17:10,528,956, C>T on the plus strand (G>A on the coding strand, the complement: MYH2 is on the minus strand). VCF-style: chr17-10528956-C-T. GRCh37 (hg19) VCF-style: chr17-10432273-C-T.
Other names: c.3478G>A, p.Gly1160Ser (NM_001100112.2); short protein forms G1160S.
Identifiers: ClinVar variation 2075388 (VCV002075388.5), dbSNP rs781461127, ClinGen allele CA8390883.